The following is an entry in ClinVar:

NM_001365536.1(SCN9A):c.5525T>C (p.Leu1842Ser)

Genes: SCN9A (sodium voltage-gated channel alpha subunit 9; minus strand), SCN1A-AS1 (SCN1A and SCN9A antisense RNA 1; plus strand). Cytogenetic location: 2q24.3.
Variant type: single nucleotide variant.
Coding change: c.5525T>C on transcript NM_001365536.1 (MANE Select); coding-DNA position 5525, T replaced by C.
Protein change: p.Leu1842Ser; replaces leucine 1842 with serine.
Molecular consequence: missense variant.
Genome position (GRCh38, 1-based): chr2:166,199,114, A>G on the plus strand (T>C on the coding strand, the complement: SCN9A is on the minus strand). VCF-style: chr2-166199114-A-G. GRCh37 (hg19) VCF-style: chr2-167055624-A-G.
Other names: c.5492T>C, p.Leu1831Ser (NM_002977.4); short protein forms L1842S, L1831S.
Identifiers: ClinVar variation 4793979 (VCV004793979.1).

ClinVar aggregate classification (germline): Uncertain significance (1 of 4 stars; one submission).

Conditions:
Neuropathy, hereditary sensory and autonomic, type 2A (HSAN2A). Also called: HSAN IIA; WNK1-Related HSAN2 (HSAN2A); MORVAN DISEASE; NEUROPATHY, CONGENITAL SENSORY; NEUROPATHY, HEREDITARY SENSORY RADICULAR, AUTOSOMAL RECESSIVE; NEUROPATHY, HEREDITARY SENSORY, TYPE IIA. Identifiers: Orphanet 970, MedGen C2752089, MONDO:0024309, OMIM 201300.
Generalized epilepsy with febrile seizures plus, type 7 (GEFSP7). Also called: GEFS+, TYPE 7. Identifiers: Orphanet 36387, MedGen C2751778, MONDO:0013470, OMIM 613863.

Submission:

Labcorp Genetics (formerly Invitae), Labcorp
Classification: Uncertain significance for Neuropathy, hereditary sensory and autonomic, type 2A; Generalized epilepsy with febrile seizures plus, type 7. Last evaluated: 2025-02-23. Review status: criteria provided, single submitter. Criteria: Invitae Variant Classification Sherloc (09022015). Collection method: clinical testing. Allele origin: germline.
Comment: This sequence change replaces leucine, which is neutral and non-polar, with serine, which is neutral and polar, at codon 1831 of the SCN9A protein (p.Leu1831Ser). This variant is not present in population databases (gnomAD no frequency). This variant has not been reported in the literature in individuals affected with SCN9A-related conditions. Invitae Evidence Modeling of protein sequence and biophysical properties (such as structural, functional, and spatial information, amino acid conservation, physicochemical variation, residue mobility, and thermodynamic stability) has been performed for this missense variant. However, the output from this modeling did not meet the statistical confidence thresholds required to predict the impact of this variant on SCN9A protein function. In summary, the available evidence is currently insufficient to determine the role of this variant in disease. Therefore, it has been classified as a Variant of Uncertain Significance.